The following is an entry in ClinVar:

ClinVar aggregate classification (germline): Uncertain significance (1 of 4 stars; one submission).

Submission:

GeneDx
Classification: Uncertain significance. Last evaluated: 2023-06-26. Review status: criteria provided, single submitter. Criteria: GeneDx Variant Classification Process June 2021. Collection method: clinical testing. Allele origin: germline. Affected: yes.
Comment: Not observed at significant frequency in large population cohorts (gnomAD); In silico analysis supports a deleterious effect on splicing; Has not been previously published as pathogenic or benign to our knowledge.

NM_024757.5(EHMT1):c.1249-10G>A

Gene: EHMT1 (euchromatic histone lysine methyltransferase 1; plus strand). Cytogenetic location: 9q34.3.
Variant type: single nucleotide variant.
Coding change: c.1249-10G>A on transcript NM_024757.5 (MANE Select); 10 bases into the intron before coding-DNA position 1249, G replaced by A.
Molecular consequence: intron variant.
Genome position (GRCh38, 1-based): chr9:137,754,161, G>A. VCF-style: chr9-137754161-G-A. GRCh37 (hg19) VCF-style: chr9-140648613-G-A.
Other names: c.1228-10G>A (NM_001354263.2); c.1156-10G>A (NM_001354259.2, NM_001354612.2); c.1249-10G>A (NM_001145527.2, NM_001354611.2).
Identifiers: ClinVar variation 3360332 (VCV003360332.1).